The following is an entry in ClinVar:

NM_030665.4(RAI1):c.4198T>C (p.Cys1400Arg)

Gene: RAI1 (retinoic acid induced 1; plus strand). Cytogenetic location: 17p11.2.
Variant type: single nucleotide variant.
Coding change: c.4198T>C on transcript NM_030665.4 (MANE Select); coding-DNA position 4198, T replaced by C.
Protein change: p.Cys1400Arg; replaces cysteine 1400 with arginine.
Molecular consequence: missense variant.
Genome position (GRCh38, 1-based): chr17:17,797,146, T>C. VCF-style: chr17-17797146-T-C. GRCh37 (hg19) VCF-style: chr17-17700460-T-C.
Other names: c.4198T>C (NM_030665.3); short protein forms C1400R.
Identifiers: ClinVar variation 1403812 (VCV001403812.7), dbSNP rs371735312, ClinGen allele CA8418906.

ClinVar aggregate classification (germline): Uncertain significance. Review status: criteria provided, multiple submitters, no conflicts (2 of 4 stars). 3 submissions from 3 submitters: Uncertain significance (3). Last evaluated 2026-02-18.

Conditions:
RAI1-related disorder. Also called: RAI1-related condition.
Smith-Magenis syndrome (SMS). Also called: CHROMOSOME 17p11.2 DELETION SYNDROME. Identifiers: Orphanet 819, MedGen C0795864, MONDO:0008434, OMIM 182290.

Allele frequency attached by ClinVar (database versions not stated): ExAC 0.00001; gnomAD exomes 0.00001 and 0.00002; TOPMed 0.00002; gnomAD 0.00003; ESP Exome Variant Server 0.00008.
gnomAD v4.1: 35 of 1,613,874 alleles (0.0022%); highest among the groups gnomAD compares: East Asian, 0.016%; no homozygotes.

Submissions (3):

PreventionGenetics, part of Exact Sciences
Classification: Uncertain significance for RAI1-related condition. Last evaluated: 2026-02-18. Review status: criteria provided, single submitter. Criteria: ACMG Guidelines, 2015. Collection method: clinical testing. Allele origin: germline.
Comment: The RAI1 c.4198T>C variant is predicted to result in the amino acid substitution p.Cys1400Arg. To our knowledge, this variant has not been reported in the literature. This variant is reported in 0.0040% of alleles in individuals of African descent in gnomAD. At this time, the clinical significance of this variant is uncertain due to the absence of conclusive functional and genetic evidence.

Labcorp Genetics (formerly Invitae), Labcorp
Classification: Uncertain significance. Last evaluated: 2025-04-10. Review status: criteria provided, single submitter. Criteria: Invitae Variant Classification Sherloc (09022015). Collection method: clinical testing. Allele origin: germline.
Comment: This sequence change replaces cysteine, which is neutral and slightly polar, with arginine, which is basic and polar, at codon 1400 of the RAI1 protein (p.Cys1400Arg). This variant is present in population databases (rs371735312, gnomAD 0.004%). This variant has not been reported in the literature in individuals affected with RAI1-related conditions. ClinVar contains an entry for this variant (Variation ID: 1403812). Invitae Evidence Modeling of protein sequence and biophysical properties (such as structural, functional, and spatial information, amino acid conservation, physicochemical variation, residue mobility, and thermodynamic stability) indicates that this missense variant is not expected to disrupt RAI1 protein function with a negative predictive value of 80%. In summary, the available evidence is currently insufficient to determine the role of this variant in disease. Therefore, it has been classified as a Variant of Uncertain Significance.

Department of Pathology and Laboratory Medicine, Sinai Health System
Classification: Uncertain significance for Smith-Magenis syndrome. Last evaluated: 2022-04-12. Review status: criteria provided, single submitter. Criteria: ACMG Guidelines, 2015. Collection method: research. Allele origin: germline.